The following is an entry in ClinVar:

NM_000057.4(BLM):c.3664del (p.Thr1223fs)

Gene: BLM (BLM RecQ like helicase; plus strand). Cytogenetic location: 15q26.1.
Variant type: Deletion.
Coding change: c.3664del on transcript NM_000057.4 (MANE Select); coding-DNA position 3664, one base deleted (C; older notation c.3664delC).
Protein change: p.Thr1223fs; shifts the reading frame from threonine 1223.
Molecular consequence: frameshift variant. On other transcripts: intron variant (1).
Genome position (GRCh38, 1-based): chr15:90,804,272, C deleted. VCF-style (leftmost placement, unchanged base first): chr15-90804271-AC-A. GRCh37 (hg19) VCF-style: chr15-91347501-AC-A.
Other names: c.3664del, p.Thr1223fs (NM_001287246.2); c.2539del, p.Thr848fs (NM_001287248.2); c.3359-4865del (NM_001287247.2); short protein forms T1223fs, T848fs.
Identifiers: ClinVar variation 4533152 (VCV004533152.2).

ClinVar aggregate classification (germline): Pathogenic/Likely pathogenic. Review status: criteria provided, multiple submitters, no conflicts (2 of 4 stars). 2 submissions from 2 submitters: Pathogenic (1); Likely pathogenic (1). Last evaluated 2026-04-15.

Conditions:
Bloom syndrome (BLM). Also called: Bloom-Torre-Machacek syndrome. Identifiers: Orphanet 125, MedGen C0005859, MONDO:0008876, OMIM 210900.

Submissions (2):

Myriad Genetics, Inc.
Classification: Pathogenic for Bloom syndrome. Last evaluated: 2026-04-15. Review status: criteria provided, single submitter. Criteria: Myriad Autosomal Dominant, Autosomal Recessive and X-Linked Classification Criteria (2023). Collection method: clinical testing. Allele origin: unknown.
Comment: This variant is considered pathogenic. This variant creates a frameshift predicted to result in premature protein truncation.

Quest Diagnostics Nichols Institute San Juan Capistrano
Classification: Likely pathogenic. Last evaluated: 2025-02-12. Review status: criteria provided, single submitter. Criteria: Quest Diagnostics criteria. Collection method: clinical testing. Allele origin: unknown.
Comment: The BLM c.3664del (p.Thr1223Glnfs*56) variant alters the translational reading frame of the BLM mRNA and is predicted to cause the premature termination of BLM protein synthesis. This variant has not been reported in individuals with BLM-related conditions in the published literature. This variant has not been reported in large, multi-ethnic general populations (Genome Aggregation Database). Based on the available information, this variant is classified as likely pathogenic.